The following is an entry in ClinVar:

NM_207122.2(EXT2):c.1226C>T (p.Ala409Val)

Gene: EXT2 (exostosin glycosyltransferase 2; plus strand). Cytogenetic location: 11p11.2.
Variant type: single nucleotide variant.
Coding change: c.1226C>T on transcript NM_207122.2 (MANE Select); coding-DNA position 1226, C replaced by T.
Protein change: p.Ala409Val; replaces alanine 409 with valine.
Molecular consequence: missense variant. On other transcripts: intron variant (1).
Genome position (GRCh38, 1-based): chr11:44,171,663, C>T. VCF-style: chr11-44171663-C-T. GRCh37 (hg19) VCF-style: chr11-44193213-C-T.
Other names: c.1325C>T, p.Ala442Val (NM_000401.3); c.1226C>T, p.Ala409Val (NM_001389628.1, NM_001389630.1); c.1267-11C>T (NM_001178083.3); short protein forms A442V, A409V.
Identifiers: ClinVar variation 1407578 (VCV001407578.8), dbSNP rs1279920600, ClinGen allele CA380175345.

ClinVar aggregate classification (germline): Uncertain significance (1 of 4 stars; one submission).

Conditions:
Exostoses, multiple, type 2 (EXT2). Also called: Hereditary Multiple Osteochondromatosis, Type II; EXOSTOSES, MULTIPLE, TYPE II. Identifiers: Orphanet 321, MedGen C1851413, MONDO:0007586, OMIM 133701.

Allele frequency attached by ClinVar (database versions not stated): gnomAD 0.00001.
gnomAD v4.1: 4 of 1,614,004 alleles (0.00025%); highest among the groups gnomAD compares: African/African-American, 0.0053%; no homozygotes.

Submission:

Labcorp Genetics (formerly Invitae), Labcorp
Classification: Uncertain significance for Exostoses, multiple, type 2. Last evaluated: 2024-02-17. Review status: criteria provided, single submitter. Criteria: Invitae Variant Classification Sherloc (09022015). Collection method: clinical testing. Allele origin: germline.
Comment: This sequence change replaces alanine, which is neutral and non-polar, with valine, which is neutral and non-polar, at codon 409 of the EXT2 protein (p.Ala409Val). This variant is not present in population databases (gnomAD no frequency). This variant has not been reported in the literature in individuals affected with EXT2-related conditions. ClinVar contains an entry for this variant (Variation ID: 1407578). Advanced modeling of protein sequence and biophysical properties (such as structural, functional, and spatial information, amino acid conservation, physicochemical variation, residue mobility, and thermodynamic stability) performed at Invitae indicates that this missense variant is not expected to disrupt EXT2 protein function with a negative predictive value of 80%. In summary, the available evidence is currently insufficient to determine the role of this variant in disease. Therefore, it has been classified as a Variant of Uncertain Significance.